The following is an entry in ClinVar:

NM_001164665.2(KIAA1549):c.5554G>C (p.Gly1852Arg)

Gene: KIAA1549 (KIAA1549; minus strand). Cytogenetic location: 7q34.
Variant type: single nucleotide variant.
Coding change: c.5554G>C on transcript NM_001164665.2 (MANE Select); coding-DNA position 5554, G replaced by C.
Protein change: p.Gly1852Arg; replaces glycine 1852 with arginine.
Molecular consequence: missense variant.
Genome position (GRCh38, 1-based): chr7:138,840,177, C>G on the plus strand (G>C on the coding strand, the complement: KIAA1549 is on the minus strand). VCF-style: chr7-138840177-C-G. GRCh37 (hg19) VCF-style: chr7-138524922-C-G.
Other names: c.5554G>C, p.Gly1852Arg (NM_020910.3); short protein forms G1852R.
Identifiers: ClinVar variation 1487379 (VCV001487379.6), dbSNP rs2130324696, ClinGen allele CA369385761.
Genomic context (GRCh38, chr7:138,840,177, plus strand): 5'-AACAGGAGATACTCACGGCCTCTCTTCGCCCCGCTTCGTCCTCCCCGTACGAAGGCCAGC[C>G]TGGCCCCCCATACTGGCTGCCTCTGCTTGGCGGGATTTCCACTGGCTGAGCTCCAATTCT-3'
Protein context (NP_001158137.1, residues 1842-1862): PSRGSQYGGP[Gly1852Arg]WPSYGEDEAG

ClinVar aggregate classification (germline): Uncertain significance (1 of 4 stars; one submission).

Submission:

Labcorp Genetics (formerly Invitae), Labcorp
Classification: Uncertain significance. Last evaluated: 2022-10-05. Review status: criteria provided, single submitter. Criteria: Invitae Variant Classification Sherloc (09022015). Collection method: clinical testing. Allele origin: germline.
Comment: In summary, the available evidence is currently insufficient to determine the role of this variant in disease. Therefore, it has been classified as a Variant of Uncertain Significance. Algorithms developed to predict the effect of missense changes on protein structure and function (SIFT, PolyPhen-2, Align-GVGD) all suggest that this variant is likely to be disruptive. ClinVar contains an entry for this variant (Variation ID: 1487379). This variant has not been reported in the literature in individuals affected with KIAA1549-related conditions. This variant is not present in population databases (gnomAD no frequency). This sequence change replaces glycine, which is neutral and non-polar, with arginine, which is basic and polar, at codon 1852 of the KIAA1549 protein (p.Gly1852Arg).